The following is an entry in ClinVar:

NM_001024630.4(RUNX2):c.231_239dup (p.Ala89_Val90insAlaAlaAla)

Genes: RUNX2 (RUNX family transcription factor 2; plus strand), LOC109611589 (runt related transcription factor 2 polyalanine expansion region; plus strand). Cytogenetic location: 6p21.1.
Variant type: Duplication.
Coding change: c.231_239dup on transcript NM_001024630.4 (MANE Select); coding-DNA positions 231 to 239, 9 bases duplicated (TGCGGCGGC; older notation c.231_239dupTGCGGCGGC).
Protein change: p.Ala89_Val90insAlaAlaAla.
Molecular consequence: inframe insertion. On other transcripts: inframe indel (1).
Genome position (GRCh38, 1-based): chr6:45,422,765-45,422,773, TGCGGCGGC duplicated; duplicating any 9 consecutive bases within chr6:45,422,757-45,422,773 gives the same sequence; the c. name uses the placement nearest the transcript's 3' end. VCF-style (leftmost placement, unchanged base first): chr6-45422756-G-GGCGGCGGCT. GRCh37 (hg19) VCF-style: chr6-45390493-G-GGCGGCGGCT.
Other names: c.231_239dup, p.Ala89_Val90insAlaAlaAla (NM_001015051.4); c.189_197dup, p.Ala75_Val76insAlaAlaAla (NM_001278478.2, NM_001369405.1, NM_004348.3).
Identifiers: ClinVar variation 2165278 (VCV002165278.4), dbSNP rs764306808, ClinGen allele CA450348365.

ClinVar aggregate classification (germline): Uncertain significance (1 of 4 stars; one submission).

Submission:

Labcorp Genetics (formerly Invitae), Labcorp
Classification: Uncertain significance. Last evaluated: 2023-09-10. Review status: criteria provided, single submitter. Criteria: Invitae Variant Classification Sherloc (09022015). Collection method: clinical testing. Allele origin: germline.
Comment: This variant, c.231_239dup, results in the insertion of 3 amino acid(s) of the RUNX2 protein (p.Ala87_Ala89dup), but otherwise preserves the integrity of the reading frame. The frequency data for this variant in the population databases is considered unreliable, as metrics indicate poor data quality at this position in the gnomAD database. In summary, the available evidence is currently insufficient to determine the role of this variant in disease. Therefore, it has been classified as a Variant of Uncertain Significance. ClinVar contains an entry for this variant (Variation ID: 2165278). This variant has not been reported in the literature in individuals affected with RUNX2-related conditions.